The following is an entry in ClinVar:

ClinVar aggregate classification (germline): Pathogenic (1 of 4 stars; one submission).

Conditions:
Neurofibromatosis, type 1 (NF1). Also called: Peripheral type neurofibromatosis; Neurofibromatosis, type I; VON RECKLINGHAUSEN DISEASE; NEUROFIBROMATOSIS, TYPE I, SOMATIC. Identifiers: Orphanet 636, MedGen C0027831, MONDO:0018975, OMIM 162200. Disease mechanism: loss of function.

Submission:

Labcorp Genetics (formerly Invitae), Labcorp
Classification: Pathogenic for Neurofibromatosis, type 1. Last evaluated: 2019-11-25. Review status: criteria provided, single submitter. Criteria: Invitae Variant Classification Sherloc (09022015). Collection method: clinical testing. Allele origin: germline.
Comment: This sequence change creates a premature translational stop signal (p.Tyr1650*) in the NF1 gene. It is expected to result in an absent or disrupted protein product. This variant is not present in population databases (ExAC no frequency). This nonsense change has been observed in individual(s) with clinical features of neurofibromatosis type 1 (PMID: 27999334, 22155606). Algorithms developed to predict the effect of sequence changes on RNA splicing suggest that this variant may create or strengthen a splice site, but this prediction has not been confirmed by published transcriptional studies. Loss-of-function variants in NF1 are known to be pathogenic (PMID: 10712197, 23913538). For these reasons, this variant has been classified as Pathogenic.

Literature cited by the submitters: PubMed 22155606; PubMed 27999334.

NM_001042492.3(NF1):c.5013del (p.Ala1670_Tyr1671insTer)

Gene: NF1 (neurofibromin 1; plus strand). Cytogenetic location: 17q11.2.
Variant type: Deletion.
Coding change: c.5013del on transcript NM_001042492.3 (MANE Select); coding-DNA position 5013, one base deleted (C; older notation c.5013delC).
Protein change: p.Ala1670_Tyr1671insTer.
Molecular consequence: nonsense. On other transcripts: frameshift variant (1).
Genome position (GRCh38, 1-based): chr17:31,325,997, C deleted. VCF-style (leftmost placement, unchanged base first): chr17-31325996-AC-A. GRCh37 (hg19) VCF-style: chr17-29653014-AC-A.
Other names: c.4950delC, p.Tyr1650Terfs (NM_000267.4).
Identifiers: ClinVar variation 834483 (VCV000834483.1), dbSNP rs2069330560, ClinGen allele CA916080610.